The following is an entry in ClinVar:

NM_001365925.2(NLGN1):c.2428G>A (p.Gly810Arg)

Gene: NLGN1 (neuroligin 1; plus strand). Cytogenetic location: 3q26.31.
Variant type: single nucleotide variant.
Coding change: c.2428G>A on transcript NM_001365925.2 (MANE Select); coding-DNA position 2428, G replaced by A.
Protein change: p.Gly810Arg; replaces glycine 810 with arginine.
Molecular consequence: missense variant.
Genome position (GRCh38, 1-based): chr3:174,281,199, G>A. VCF-style: chr3-174281199-G-A. GRCh37 (hg19) VCF-style: chr3-173998989-G-A.
Other names: c.2428G>A, p.Gly810Arg (NM_001365923.2, NM_001365924.2, NM_001365926.2 and 2 more transcripts); c.2368G>A, p.Gly790Arg (NM_001365929.2, NM_001365930.2, NM_001365931.2 and 3 more transcripts); c.2341G>A, p.Gly781Arg (NM_001365934.2, NM_001365935.2, NM_001365936.2); c.2368G>A (NM_014932.2); short protein forms G781R, G790R, G810R.
Identifiers: ClinVar variation 2633699 (VCV002633699.2), dbSNP rs2548804496, ClinGen allele CA355546184.

ClinVar aggregate classification (germline): Uncertain significance. Review status: criteria provided, multiple submitters, no conflicts (2 of 4 stars). 2 submissions from 2 submitters: Uncertain significance (2). Last evaluated 2025-11-05.

Conditions:
Inborn genetic diseases. Identifiers: MedGen C0950123, MeSH D030342.
NLGN1-related disorder. Also called: NLGN1-related condition.

Submissions (2):

Ambry Genetics
Classification: Uncertain significance for Inborn genetic diseases. Last evaluated: 2025-11-05. Review status: criteria provided, single submitter. Criteria: Ambry Variant Classification Scheme 2023. Collection method: clinical testing. Allele origin: germline.

PreventionGenetics, part of Exact Sciences
Classification: Uncertain significance for NLGN1-related condition. Last evaluated: 2023-03-21. Review status: criteria provided, single submitter. Criteria: ACMG Guidelines, 2015. Collection method: clinical testing. Allele origin: germline.
Comment: The NLGN1 c.2368G>A variant is predicted to result in the amino acid substitution p.Gly790Arg. To our knowledge, this variant has not been reported in the literature or in a large population database, indicating this variant is rare. At this time, the clinical significance of this variant is uncertain due to the absence of conclusive functional and genetic evidence.